The following is an entry in ClinVar:

ClinVar aggregate classification (germline): Uncertain significance (1 of 4 stars; one submission).

Conditions:
Inborn genetic diseases. Identifiers: MedGen C0950123, MeSH D030342.

Submission:

Ambry Genetics
Classification: Uncertain significance for Inborn genetic diseases. Last evaluated: 2026-09-06. Review status: criteria provided, single submitter. Criteria: Ambry Variant Classification Scheme 2023. Collection method: clinical testing. Allele origin: germline.
Comment: The p.N78S variant (also known as c.233A>G), located in coding exon 2 of the HAX1 gene, results from an A to G substitution at nucleotide position 233. The asparagine at codon 78 is replaced by serine, an amino acid with highly similar properties. This amino acid position is conserved. In addition, this alteration is predicted to be tolerated by in silico analysis. Based on the available evidence, the clinical significance of this variant remains unclear.

NM_006118.4(HAX1):c.233A>G (p.Asn78Ser)

Gene: HAX1 (HCLS1 associated protein X-1; plus strand). Cytogenetic location: 1q21.3.
Variant type: single nucleotide variant.
Coding change: c.233A>G on transcript NM_006118.4 (MANE Select); coding-DNA position 233, A replaced by G.
Protein change: p.Asn78Ser; replaces asparagine 78 with serine.
Molecular consequence: missense variant.
Genome position (GRCh38, 1-based): chr1:154,273,515, A>G. VCF-style: chr1-154273515-A-G. GRCh37 (hg19) VCF-style: chr1-154245991-A-G.
Other names: c.89A>G, p.Asn30Ser (NM_001018837.2); short protein forms N30S, N78S.
Identifiers: ClinVar variation 5022593 (VCV005022593.1).